The following is an entry in ClinVar:

NM_003105.6(SORL1):c.5765A>G (p.Tyr1922Cys)

Gene: SORL1 (sortilin related receptor 1; plus strand). Cytogenetic location: 11q24.1.
Variant type: single nucleotide variant.
Coding change: c.5765A>G on transcript NM_003105.6 (MANE Select); coding-DNA position 5765, A replaced by G.
Protein change: p.Tyr1922Cys; replaces tyrosine 1922 with cysteine.
Molecular consequence: missense variant.
Genome position (GRCh38, 1-based): chr11:121,619,793, A>G. VCF-style: chr11-121619793-A-G. GRCh37 (hg19) VCF-style: chr11-121490502-A-G.
Other names: short protein forms Y1922C.
Identifiers: ClinVar variation 3682941 (VCV003682941.2).

ClinVar aggregate classification (germline): Uncertain significance (1 of 4 stars; one submission).

gnomAD v4.1: 4 of 1,614,104 alleles (0.00025%); highest among the groups gnomAD compares: Non-Finnish European, 0.00034%; no homozygotes.

Submission:

Labcorp Genetics (formerly Invitae), Labcorp
Classification: Uncertain significance. Last evaluated: 2024-09-11. Review status: criteria provided, single submitter. Criteria: Invitae Variant Classification Sherloc (09022015). Collection method: clinical testing. Allele origin: germline.
Comment: This sequence change replaces tyrosine, which is neutral and polar, with cysteine, which is neutral and slightly polar, at codon 1922 of the SORL1 protein (p.Tyr1922Cys). This variant is present in population databases (rs140883895, gnomAD 0.003%). This variant has not been reported in the literature in individuals affected with SORL1-related conditions. An algorithm developed to predict the effect of missense changes on protein structure and function (PolyPhen-2) suggests that this variant is likely to be tolerated. In summary, the available evidence is currently insufficient to determine the role of this variant in disease. Therefore, it has been classified as a Variant of Uncertain Significance.